The following is an entry in ClinVar:

NM_022124.6(CDH23):c.790G>T (p.Asp264Tyr)

Gene: CDH23 (cadherin related 23; plus strand). Cytogenetic location: 10q22.1.
Variant type: single nucleotide variant.
Coding change: c.790G>T on transcript NM_022124.6 (MANE Select); coding-DNA position 790, G replaced by T.
Protein change: p.Asp264Tyr; replaces aspartic acid 264 with tyrosine.
Molecular consequence: missense variant.
Genome position (GRCh38, 1-based): chr10:71,577,950, G>T. VCF-style: chr10-71577950-G-T. GRCh37 (hg19) VCF-style: chr10-73337707-G-T.
Other names: c.790G>T, p.Asp264Tyr (NM_001171930.2, NM_001171931.2, NM_001171932.2 and 1 more transcripts); short protein forms D264Y.
Identifiers: ClinVar variation 2735417 (VCV002735417.3), dbSNP rs1278606677, ClinGen allele CA377115927.

ClinVar aggregate classification (germline): Likely pathogenic (1 of 4 stars; one submission).

Allele frequency attached by ClinVar (database versions not stated): gnomAD exomes below 0.00001.
gnomAD v4.1: 2 of 1,605,802 alleles (0.00012%); highest among the groups gnomAD compares: Non-Finnish European, 0.000085%; no homozygotes.

Submission:

Labcorp Genetics (formerly Invitae), Labcorp
Classification: Likely pathogenic. Last evaluated: 2023-02-07. Review status: criteria provided, single submitter. Criteria: Invitae Variant Classification Sherloc (09022015). Collection method: clinical testing. Allele origin: germline.
Comment: In summary, the currently available evidence indicates that the variant is pathogenic, but additional data are needed to prove that conclusively. Therefore, this variant has been classified as Likely Pathogenic. This variant disrupts the p.Asp264 amino acid residue in CDH23. Other variant(s) that disrupt this residue have been observed in individuals with CDH23-related conditions (PMID: 31322239), which suggests that this may be a clinically significant amino acid residue. Advanced modeling of protein sequence and biophysical properties (such as structural, functional, and spatial information, amino acid conservation, physicochemical variation, residue mobility, and thermodynamic stability) has been performed at Invitae for this missense variant, however the output from this modeling did not meet the statistical confidence thresholds required to predict the impact of this variant on CDH23 protein function. This missense change has been observed in individual(s) with Usher syndrome (PMID: 21436283). In at least one individual the data is consistent with being in trans (on the opposite chromosome) from a pathogenic variant. This variant is not present in population databases (gnomAD no frequency). This sequence change replaces aspartic acid, which is acidic and polar, with tyrosine, which is neutral and polar, at codon 264 of the CDH23 protein (p.Asp264Tyr).

Literature cited by the submitters: PubMed 31322239; PubMed 21436283.